The following is an entry in ClinVar:

ClinVar aggregate classification (germline): Uncertain significance (1 of 4 stars; one submission).

Submission:

GeneDx
Classification: Uncertain significance. Last evaluated: 2024-01-10. Review status: criteria provided, single submitter. Criteria: GeneDx Variant Classification Process June 2021. Collection method: clinical testing. Allele origin: germline. Affected: yes.
Comment: Not observed at significant frequency in large population cohorts (gnomAD); In silico analysis supports that this missense variant has a deleterious effect on protein structure/function; Has not been previously published as pathogenic or benign to our knowledge

NM_000260.4(MYO7A):c.2473C>G (p.Arg825Gly)

Gene: MYO7A (myosin VIIA; plus strand). Cytogenetic location: 11q13.5.
Variant type: single nucleotide variant.
Coding change: c.2473C>G on transcript NM_000260.4 (MANE Select); coding-DNA position 2473, C replaced by G.
Protein change: p.Arg825Gly; replaces arginine 825 with glycine.
Molecular consequence: missense variant.
Genome position (GRCh38, 1-based): chr11:77,179,840, C>G. VCF-style: chr11-77179840-C-G. GRCh37 (hg19) VCF-style: chr11-76890886-C-G.
Other names: c.2473C>G, p.Arg825Gly (NM_001127180.2); c.2440C>G, p.Arg814Gly (NM_001369365.1); short protein forms R814G, R825G.
Identifiers: ClinVar variation 3367693 (VCV003367693.1).
Genomic context (GRCh38, chr11:77,179,840, plus strand): 5'-AAGCTGCACCAGCAGTACCGCCTGGCCCGCCAGCGCATCATCCAGTTCCAGGCCCGCTGC[C>G]GCGCCTATCTGGTGCGCAAGGCCTTCCGCCACCGCCTCTGGGCTGTGCTCACCGTGCAGG-3'
Protein context (NP_000251.3, residues 815-835): QRIIQFQARC[Arg825Gly]AYLVRKAFRH